The following is an entry in ClinVar:

NM_001378454.1(ALMS1):c.6215T>C (p.Leu2072Pro)

Gene: ALMS1 (ALMS1 centrosome and basal body associated protein; plus strand). Cytogenetic location: 2p13.1.
Variant type: single nucleotide variant.
Coding change: c.6215T>C on transcript NM_001378454.1 (MANE Select); coding-DNA position 6215, T replaced by C.
Protein change: p.Leu2072Pro; replaces leucine 2072 with proline.
Molecular consequence: missense variant.
Genome position (GRCh38, 1-based): chr2:73,452,742, T>C. VCF-style: chr2-73452742-T-C. GRCh37 (hg19) VCF-style: chr2-73679869-T-C.
Other names: c.6218T>C, p.Leu2073Pro (NM_015120.4); short protein forms L2073P, L2072P.
Identifiers: ClinVar variation 554297 (VCV000554297.6), dbSNP rs1382952433, ClinGen allele CA347285319.

ClinVar aggregate classification (germline): Uncertain significance. Review status: criteria provided, multiple submitters, no conflicts (2 of 4 stars). 3 submissions from 3 submitters: Uncertain significance (2). 1 of the submissions does not count toward it. Last evaluated 2024-09-09.

Conditions:
Alstrom syndrome (ALMS). Identifiers: Orphanet 64, MedGen C0268425, MONDO:0008763, OMIM 203800.

Allele frequency attached by ClinVar (database versions not stated): gnomAD exomes below 0.00001 and 0.00001.
gnomAD v4.1: 17 of 1,613,514 alleles (0.0011%); highest among the groups gnomAD compares: Non-Finnish European, 0.0014%; no homozygotes.

Submissions (3):

GeneDx
Classification: Uncertain significance. Last evaluated: 2024-09-09. Review status: criteria provided, single submitter. Criteria: GeneDx Variant Classification Process June 2021. Collection method: clinical testing. Allele origin: germline. Affected: yes.
Comment: Not observed at significant frequency in large population cohorts (gnomAD); In silico analysis indicates that this missense variant does not alter protein structure/function; Has not been previously published as pathogenic or benign to our knowledge

Labcorp Genetics (formerly Invitae), Labcorp
Classification: Uncertain significance for Alstrom syndrome. Last evaluated: 2022-05-16. Review status: criteria provided, single submitter. Criteria: Invitae Variant Classification Sherloc (09022015). Collection method: clinical testing. Allele origin: germline.
Comment: This sequence change replaces leucine, which is neutral and non-polar, with proline, which is neutral and non-polar, at codon 2073 of the ALMS1 protein (p.Leu2073Pro). This variant is present in population databases (no rsID available, gnomAD 0.0009%). This variant has not been reported in the literature in individuals affected with ALMS1-related conditions. ClinVar contains an entry for this variant (Variation ID: 554297). Experimental studies and prediction algorithms are not available or were not evaluated, and the functional significance of this variant is currently unknown. In summary, the available evidence is currently insufficient to determine the role of this variant in disease. Therefore, it has been classified as a Variant of Uncertain Significance.

Counsyl
Classification: Uncertain significance for Alstrom syndrome. Last evaluated: 2017-10-24. Review status: no assertion criteria provided. Collection method: clinical testing. Allele origin: unknown. Not counted in ClinVar's aggregate classification.